The following is an entry in ClinVar:

ClinVar aggregate classification (germline): Uncertain significance (1 of 4 stars; one submission).

Conditions:
Pseudo-Hurler polydystrophy. Also called: ML III; ML III ALPHA/BETA; MUCOLIPIDOSIS IIIA; Type III Mucolipidosis; ML IIIA; Mucolipidosis III Alpha/Beta. Identifiers: Orphanet 423461, Orphanet 577, MedGen C0033788, MONDO:0018931, OMIM 252600.
Mucolipidosis type II. Also called: ML II ALPHA/BETA; Mucolipidosis 2; ML 2; Inclusion cell disease; Leroy Disease; N-acetylglucosamine 1phosphotransferase deficiency. Identifiers: Orphanet 576, MedGen C2673377, MONDO:0009650, OMIM 252500.

Allele frequency attached by ClinVar (database versions not stated): TOPMed below 0.00001.

Submission:

Labcorp Genetics (formerly Invitae), Labcorp
Classification: Uncertain significance for Pseudo-Hurler polydystrophy; Mucolipidosis type II. Last evaluated: 2021-11-13. Review status: criteria provided, single submitter. Criteria: Invitae Variant Classification Sherloc (09022015). Collection method: clinical testing. Allele origin: germline.
Comment: This sequence change falls in intron 9 of the GNPTAB gene. It does not directly change the encoded amino acid sequence of the GNPTAB protein. It affects a nucleotide within the consensus splice site. This variant is present in population databases (no rsID available, gnomAD 0.03%). This variant has not been reported in the literature in individuals affected with GNPTAB-related conditions. Variants that disrupt the consensus splice site are a relatively common cause of aberrant splicing (PMID: 17576681, 9536098). Algorithms developed to predict the effect of sequence changes on RNA splicing suggest that this variant may disrupt the consensus splice site. In summary, the available evidence is currently insufficient to determine the role of this variant in disease. Therefore, it has been classified as a Variant of Uncertain Significance.

Literature cited by the submitters: PubMed 17576681; PubMed 9536098.

NM_024312.5(GNPTAB):c.1113+3A>G

Gene: GNPTAB (N-acetylglucosamine-1-phosphate transferase subunits alpha and beta; minus strand). Cytogenetic location: 12q23.2.
Variant type: single nucleotide variant.
Coding change: c.1113+3A>G on transcript NM_024312.5 (MANE Select); 3 bases into the intron after coding-DNA position 1113, A replaced by G.
Molecular consequence: intron variant.
Genome position (GRCh38, 1-based): chr12:101,770,403, T>C on the plus strand (A>G on the coding strand, the complement: GNPTAB is on the minus strand). VCF-style: chr12-101770403-T-C. GRCh37 (hg19) VCF-style: chr12-102164181-T-C.
Identifiers: ClinVar variation 1398776 (VCV001398776.3), dbSNP rs1428507375, ClinGen allele CA607597854.